The following is an entry in ClinVar:

ClinVar aggregate classification (germline): Uncertain significance. Review status: criteria provided, multiple submitters, no conflicts (2 of 4 stars). 2 submissions from 2 submitters: Uncertain significance (2). Last evaluated 2021-09-16.

Conditions:
Inborn genetic diseases. Identifiers: MedGen C0950123, MeSH D030342.

Allele frequency attached by ClinVar (database versions not stated): gnomAD exomes below 0.00001.
gnomAD v4.1: 5 of 1,612,494 alleles (0.00031%); highest among the groups gnomAD compares: African/African-American, 0.0027%; no homozygotes.

Submissions (2):

Ambry Genetics
Classification: Uncertain significance for Inborn genetic diseases. Last evaluated: 2021-09-16. Review status: criteria provided, single submitter. Criteria: Ambry Variant Classification Scheme 2023. Collection method: clinical testing. Allele origin: germline.

GeneDx
Classification: Uncertain significance. Last evaluated: 2021-06-27. Review status: criteria provided, single submitter. Criteria: GeneDx Variant Classification Process June 2021. Collection method: clinical testing. Allele origin: germline. Affected: yes.
Comment: Not observed at significant frequency in large population cohorts (Lek et al., 2016); In silico analysis supports that this missense variant has a deleterious effect on protein structure/function; Has not been previously published as pathogenic or benign to our knowledge; This variant is associated with the following publications: (PMID: 27535533)

NM_018116.4(MSTO1):c.709G>A (p.Gly237Ser)

Gene: MSTO1 (misato mitochondrial distribution and morphology regulator 1; plus strand). Cytogenetic location: 1q22.
Variant type: single nucleotide variant.
Coding change: c.709G>A on transcript NM_018116.4 (MANE Select); coding-DNA position 709, G replaced by A.
Protein change: p.Gly237Ser; replaces glycine 237 with serine.
Molecular consequence: missense variant. On other transcripts: non-coding transcript variant (6).
Genome position (GRCh38, 1-based): chr1:155,612,212, G>A. VCF-style: chr1-155612212-G-A. GRCh37 (hg19) VCF-style: chr1-155582003-G-A.
Other names: c.709G>A (NM_018116.2); c.709G>A, p.Gly237Ser (NM_001256532.1, NM_001256533.1, NM_001350772.1 and 3 more transcripts); c.544G>A, p.Gly182Ser (NM_001350776.1); c.178G>A, p.Gly60Ser (NM_001350777.1, NM_001350778.1, NM_001350779.1); c.175G>A, p.Gly59Ser (NM_001350780.1, NM_001350781.1, NM_001350782.1 and 3 more transcripts); c.166G>A, p.Gly56Ser (NM_001350784.1, NM_001350785.1, NM_001350787.1 and 1 more transcripts); short protein forms G182S, G237S, G56S, G59S, G60S.
Identifiers: ClinVar variation 1329808 (VCV001329808.4), dbSNP rs1256630555, ClinGen allele CA342758224.
Genomic context (GRCh38, chr1:155,612,212, plus strand): 5'-AACTATCTTTTGTCACTCACCCCCGTCCAGGGCTTCCAGATCCTGTGTGACCTGCACGAT[G>A]GCTTCTCTGGGGTAGGCGCGAAGGCGGCAGAGCTGCTACAAGATGAATATTCAGGGCGGG-3'
Protein context (NP_060586.2, residues 227-247): GFQILCDLHD[Gly237Ser]FSGVGAKAAE